The following is an entry in ClinVar:

ClinVar aggregate classification (germline): Pathogenic (1 of 4 stars; one submission).

Conditions:
Spermatogenic failure 31. Identifiers: MedGen C4748234, MONDO:0020852, OMIM 618112.

Allele frequency attached by ClinVar (database versions not stated): gnomAD 0.00001; TOPMed 0.00002; ExAC 0.00004; gnomAD exomes 0.00011.
gnomAD v4.1: 154 of 1,613,984 alleles (0.0095%); highest among the groups gnomAD compares: South Asian, 0.013%; no homozygotes.

Submission:

Foundation for Research in Genetics and Endocrinology, FRIGE's Institute of Human Genetics
Classification: Pathogenic for Spermatogenic failure 31. Last evaluated: 2023-09-11. Review status: criteria provided, single submitter. Criteria: ACMG Guidelines, 2015. Collection method: clinical testing. Allele origin: germline. Inheritance: Autosomal recessive inheritance. Affected: yes. Observed: 1 homozygote.
Comment: A homozygous nonsense variant in exon 7 of the PMFBP1 gene that results in a stop codon and premature truncation of the protein at codon 281 was detected. This variant has not been reported in the 1000 genomes database and has a minor allele frequency of 0.001%, 0.005% and 0.002% in the gnomAD (v3.1), gnomdAD (v2) and topmed databases respectively. The in silico prediction of the variant is damaging by MutationTaster2. The reference codon is conserved across species. In summary, the variant meets our criteria to be classified as pathogenic.

NM_031293.3(PMFBP1):c.841C>T (p.Gln281Ter)

Gene: PMFBP1 (polyamine modulated factor 1 binding protein 1; minus strand). Cytogenetic location: 16q22.2.
Variant type: single nucleotide variant.
Coding change: c.841C>T on transcript NM_031293.3 (MANE Select); coding-DNA position 841, C replaced by T.
Protein change: p.Gln281Ter; replaces glutamine 281 with a stop codon.
Molecular consequence: nonsense.
Genome position (GRCh38, 1-based): chr16:72,139,366, G>A on the plus strand (C>T on the coding strand, the complement: PMFBP1 is on the minus strand). VCF-style: chr16-72139366-G-A. GRCh37 (hg19) VCF-style: chr16-72173265-G-A.
Other names: p.Gln281Ter; c.406C>T, p.Gln136Ter (NM_001160213.2); short protein forms Q136*, Q281*.
Identifiers: ClinVar variation 2580173 (VCV002580173.2), dbSNP rs763272588, ClinGen allele CA8161867.